The following is an entry in ClinVar:

ClinVar aggregate classification (germline): Uncertain significance (1 of 4 stars; one submission).

gnomAD v4.1: 63 of 1,375,470 alleles (0.0046%); highest among the groups gnomAD compares: Admixed American, 0.026%; no homozygotes.

Submission:

GeneDx
Classification: Uncertain significance. Last evaluated: 2026-03-16. Review status: criteria provided, single submitter. Criteria: GeneDx Variant Classification Process June 2021. Collection method: clinical testing. Allele origin: germline.
Comment: In silico analysis suggests that this missense variant does not alter protein structure/function; Has not been previously published as pathogenic or benign to our knowledge

NM_001292063.2(OTOG):c.79C>T (p.Arg27Trp)

Gene: OTOG (otogelin; plus strand). Cytogenetic location: 11p15.1.
Variant type: single nucleotide variant.
Coding change: c.79C>T on transcript NM_001292063.2 (MANE Select); coding-DNA position 79, C replaced by T.
Protein change: p.Arg27Trp; replaces arginine 27 with tryptophan.
Molecular consequence: missense variant.
Genome position (GRCh38, 1-based): chr11:17,547,451, C>T. VCF-style: chr11-17547451-C-T. GRCh37 (hg19) VCF-style: chr11-17568998-C-T.
Other names: c.79C>T, p.Arg27Trp (NM_001277269.2); short protein forms R27W.
Identifiers: ClinVar variation 4976695 (VCV004976695.1).